The following is an entry in ClinVar:

NM_003070.5(SMARCA2):c.3661T>C (p.Leu1221=)

Gene: SMARCA2 (SWI/SNF related BAF chromatin remodeling complex subunit ATPase 2; plus strand). Cytogenetic location: 9p24.3.
Variant type: single nucleotide variant.
Coding change: c.3661T>C on transcript NM_003070.5 (MANE Select); coding-DNA position 3661, T replaced by C.
Protein change: p.Leu1221=; no amino-acid change (leucine 1221 retained).
Molecular consequence: synonymous variant.
Genome position (GRCh38, 1-based): chr9:2,116,026, T>C. VCF-style: chr9-2116026-T-C. GRCh37 (hg19) VCF-style: chr9-2116026-T-C.
Other names: c.3661T>C, p.Leu1221= (NM_001289396.2, NM_139045.4); c.3487T>C, p.Leu1163= (NM_001289397.2).
Identifiers: ClinVar variation 2673166 (VCV002673166.22), dbSNP rs906998946, ClinGen allele CA187923011.

ClinVar aggregate classification (germline): Likely benign (1 of 4 stars; one submission).

Allele frequency attached by ClinVar (database versions not stated): gnomAD exomes below 0.00001.
gnomAD v4.1: 2 of 1,613,924 alleles (0.00012%); highest among the groups gnomAD compares: Non-Finnish European, 0.00017%; no homozygotes.

Submission:

CeGaT Center for Human Genetics Tuebingen
Classification: Likely benign. Last evaluated: 2023-11-01. Review status: criteria provided, single submitter. Criteria: CeGaT Center For Human Genetics Tuebingen Variant Classification Criteria Version 2. Collection method: clinical testing. Allele origin: germline. Affected: yes. Observed: 1 variant allele.
Comment: SMARCA2: PM2:Supporting, BP4, BP7